The following is an entry in ClinVar:

NM_003504.5(CDC45):c.538C>G (p.Arg180Gly)

Gene: CDC45 (cell division cycle 45; plus strand). Cytogenetic location: 22q11.21.
Variant type: single nucleotide variant.
Coding change: c.538C>G on transcript NM_003504.5 (MANE Select); coding-DNA position 538, C replaced by G.
Protein change: p.Arg180Gly; replaces arginine 180 with glycine.
Molecular consequence: missense variant. On other transcripts: non-coding transcript variant (1).
Genome position (GRCh38, 1-based): chr22:19,494,378, C>G. VCF-style: chr22-19494378-C-G. GRCh37 (hg19) VCF-style: chr22-19481901-C-G.
Other names: c.538C>G, p.Arg180Gly (NM_001178010.2); c.400C>G, p.Arg134Gly (NM_001178011.2); c.502C>G, p.Arg168Gly (NM_001369291.1); short protein forms R134G, R168G, R180G.
Identifiers: ClinVar variation 4536574 (VCV004536574.1).

ClinVar aggregate classification (germline): Uncertain significance (1 of 4 stars; one submission).

gnomAD v4.1: 8 of 1,613,542 alleles (0.0005%); highest among the groups gnomAD compares: South Asian, 0.0022%; no homozygotes.

Submission:

GeneDx
Classification: Uncertain significance. Last evaluated: 2025-06-04. Review status: criteria provided, single submitter. Criteria: GeneDx Variant Classification Process June 2021. Collection method: clinical testing. Allele origin: germline. Affected: yes.
Comment: Not observed at significant frequency in large population cohorts (gnomAD); In silico analysis supports that this missense variant has a deleterious effect on protein structure/function; Has not been previously published as pathogenic or benign to our knowledge